The following is an entry in ClinVar:

ClinVar aggregate classification (germline): Uncertain significance (1 of 4 stars; one submission).

Allele frequency attached by ClinVar (database versions not stated): gnomAD exomes below 0.00001.
gnomAD v4.1: 1 of 1,113,802 alleles (0.00009%); highest among the groups gnomAD compares: Non-Finnish European, 0.00012%; no homozygotes.

Submission:

Labcorp Genetics (formerly Invitae), Labcorp
Classification: Uncertain significance. Last evaluated: 2022-03-18. Review status: criteria provided, single submitter. Criteria: Invitae Variant Classification Sherloc (09022015). Collection method: clinical testing. Allele origin: germline.
Comment: This variant is not present in population databases (gnomAD no frequency). This sequence change replaces valine, which is neutral and non-polar, with alanine, which is neutral and non-polar, at codon 218 of the NYX protein (p.Val218Ala). This variant has not been reported in the literature in individuals affected with NYX-related conditions. Algorithms developed to predict the effect of missense changes on protein structure and function (SIFT, PolyPhen-2, Align-GVGD) all suggest that this variant is likely to be disruptive. In summary, the available evidence is currently insufficient to determine the role of this variant in disease. Therefore, it has been classified as a Variant of Uncertain Significance.

NM_001378477.3(NYX):c.638T>C (p.Val213Ala)

Gene: NYX (nyctalopin; plus strand). Cytogenetic location: Xp11.4.
Variant type: single nucleotide variant.
Coding change: c.638T>C on transcript NM_001378477.3 (MANE Select); coding-DNA position 638, T replaced by C.
Protein change: p.Val213Ala; replaces valine 213 with alanine.
Molecular consequence: missense variant.
Genome position (GRCh38, 1-based): chrX:41,474,106, T>C. VCF-style: chrX-41474106-T-C. GRCh37 (hg19) VCF-style: chrX-41333359-T-C.
Other names: c.638T>C, p.Val213Ala (NM_022567.3); short protein forms V213A.
Identifiers: ClinVar variation 1383077 (VCV001383077.6), dbSNP rs2147025873, ClinGen allele CA412990963.